The following is an entry in ClinVar:

ClinVar aggregate classification (germline): Uncertain significance (1 of 4 stars; one submission).

Submission:

Labcorp Genetics (formerly Invitae), Labcorp
Classification: Uncertain significance. Last evaluated: 2019-12-04. Review status: criteria provided, single submitter. Criteria: Invitae Variant Classification Sherloc (09022015). Collection method: clinical testing. Allele origin: germline.
Comment: In summary, the available evidence is currently insufficient to determine the role of this variant in disease. Therefore, it has been classified as a Variant of Uncertain Significance. Algorithms developed to predict the effect of missense changes on protein structure and function output the following: SIFT: "Tolerated"; PolyPhen-2: "Benign"; Align-GVGD: "Class C0". The glutamic acid amino acid residue is found in multiple mammalian species, suggesting that this missense change does not adversely affect protein function. These predictions have not been confirmed by published functional studies and their clinical significance is uncertain. This variant has not been reported in the literature in individuals with IMPG2-related conditions. This variant is not present in population databases (ExAC no frequency). This sequence change replaces glutamine with glutamic acid at codon 738 of the IMPG2 protein (p.Gln738Glu). The glutamine residue is moderately conserved and there is a small physicochemical difference between glutamine and glutamic acid.

NM_016247.4(IMPG2):c.2212C>G (p.Gln738Glu)

Gene: IMPG2 (interphotoreceptor matrix proteoglycan 2; minus strand). Cytogenetic location: 3q12.3.
Variant type: single nucleotide variant.
Coding change: c.2212C>G on transcript NM_016247.4 (MANE Select); coding-DNA position 2212, C replaced by G.
Protein change: p.Gln738Glu; replaces glutamine 738 with glutamic acid.
Molecular consequence: missense variant.
Genome position (GRCh38, 1-based): chr3:101,244,119, G>C on the plus strand (C>G on the coding strand, the complement: IMPG2 is on the minus strand). VCF-style: chr3-101244119-G-C. GRCh37 (hg19) VCF-style: chr3-100962963-G-C.
Other names: short protein forms Q738E.
Identifiers: ClinVar variation 847916 (VCV000847916.9), dbSNP rs1706444102, ClinGen allele CA353858380.